The following is an entry in ClinVar:

NM_000535.7(PMS2):c.1262G>T (p.Arg421Leu)

Gene: PMS2 (PMS1 homolog 2, mismatch repair system component; minus strand). Cytogenetic location: 7p22.1.
Variant type: single nucleotide variant.
Coding change: c.1262G>T on transcript NM_000535.7 (MANE Select); coding-DNA position 1262, G replaced by T.
Protein change: p.Arg421Leu; replaces arginine 421 with leucine.
Molecular consequence: missense variant. On other transcripts: non-coding transcript variant (1).
Genome position (GRCh38, 1-based): chr7:5,987,503, C>A on the plus strand (G>T on the coding strand, the complement: PMS2 is on the minus strand). VCF-style: chr7-5987503-C-A. GRCh37 (hg19) VCF-style: chr7-6027134-C-A.
Other names: c.857G>T, p.Arg286Leu (NM_001322003.2, NM_001322004.2, NM_001322005.2 and 1 more transcripts); c.1106G>T, p.Arg369Leu (NM_001322006.2); c.944G>T, p.Arg315Leu (NM_001322007.2, NM_001322008.2); c.701G>T, p.Arg234Leu (NM_001322010.2); c.329G>T, p.Arg110Leu (NM_001322011.2, NM_001322012.2); c.689G>T, p.Arg230Leu (NM_001322013.2); c.1262G>T, p.Arg421Leu (NM_001322014.2); c.953G>T, p.Arg318Leu (NM_001322015.2); short protein forms R421L, R315L, R110L, R286L, R369L, R230L, R234L, R318L.
Identifiers: ClinVar variation 926515 (VCV000926515.13), dbSNP rs778482303, ClinGen allele CA366742459.
Genomic context (GRCh38, chr7:5,987,503, plus strand): 5'-TCTGGAGTCTTTGGGCTGTGAGGCTTGTTCTCTGTTGTGTGACGAAGAGAAAAGGCCTCT[C>A]GCAGTCTGGAAATGGACACGTCTTTTTTTTCTTCTCCAGTCCTTAATGAAGGGGATTGAT-3'
Protein context (NP_000526.2, residues 411-431): EKKDVSISRL[Arg421Leu]EAFSLRHTTE

ClinVar aggregate classification (germline): Uncertain significance. Review status: criteria provided, multiple submitters, no conflicts (2 of 4 stars). 3 submissions from 3 submitters: Uncertain significance (3). Last evaluated 2023-07-21.

Conditions:
Hereditary cancer-predisposing syndrome. Also called: Neoplastic Syndromes, Hereditary; Tumor predisposition; Hereditary Cancer Syndrome; Hereditary neoplastic syndrome. Identifiers: Orphanet 140162, MedGen C0027672, MeSH D009386, MONDO:0015356.
Hereditary nonpolyposis colorectal neoplasms. Identifiers: MedGen C0009405, MeSH D003123.
Lynch syndrome 4 (LYNCH4). Also called: Colorectal cancer, hereditary nonpolyposis, type 4; Hereditary non-polyposis colorectal cancer, type 4. Identifiers: Orphanet 144, MedGen C1838333, MONDO:0013699, OMIM 614337. Disease mechanism: loss of function.

Submissions (3):

Baylor Genetics
Classification: Uncertain significance for Lynch syndrome 4. Last evaluated: 2023-07-21. Review status: criteria provided, single submitter. Criteria: ACMG Guidelines, 2015. Collection method: clinical testing. Allele origin: unknown.

Labcorp Genetics (formerly Invitae), Labcorp
Classification: Uncertain significance for Hereditary nonpolyposis colorectal neoplasms. Last evaluated: 2020-04-29. Review status: criteria provided, single submitter. Criteria: Invitae Variant Classification Sherloc (09022015). Collection method: clinical testing. Allele origin: germline.
Comment: This sequence change replaces arginine with leucine at codon 421 of the PMS2 protein (p.Arg421Leu). The arginine residue is weakly conserved and there is a moderate physicochemical difference between arginine and leucine. In summary, the available evidence is currently insufficient to determine the role of this variant in disease. Therefore, it has been classified as a Variant of Uncertain Significance. Algorithms developed to predict the effect of missense changes on protein structure and function are either unavailable or do not agree on the potential impact of this missense change (SIFT: "Tolerated"; PolyPhen-2: "Probably Damaging"; Align-GVGD: "Class C0"). This variant has not been reported in the literature in individuals with PMS2-related conditions. This variant is not present in population databases (ExAC no frequency).

Color Diagnostics, LLC DBA Color Health
Classification: Uncertain significance for Hereditary cancer-predisposing syndrome. Last evaluated: 2020-03-24. Review status: criteria provided, single submitter. Criteria: ACMG Guidelines, 2015. Collection method: clinical testing. Allele origin: germline.
Comment: This missense variant replaces arginine with leucine at codon 421 of the PMS2 protein. Computational prediction suggests that this variant may not impact protein structure and function (internally defined REVEL score threshold <= 0.5, PMID: 27666373). Splice site prediction tools suggest that this variant may not impact RNA splicing. To our knowledge, functional studies have not been reported for this variant. This variant has not been reported in individuals affected with hereditary cancer in the literature. This variant has not been identified in the general population by the Genome Aggregation Database (gnomAD). The available evidence is insufficient to determine the role of this variant in disease conclusively. Therefore, this variant is classified as a Variant of Uncertain Significance.